The following is an entry in ClinVar:

NM_007294.4(BRCA1):c.140G>T (p.Cys47Phe)

Gene: BRCA1 (BRCA1 DNA repair associated; minus strand). Cytogenetic location: 17q21.31.
Variant type: single nucleotide variant.
Coding change: c.140G>T on transcript NM_007294.4 (MANE Select); coding-DNA position 140, G replaced by T.
Protein change: p.Cys47Phe; replaces cysteine 47 with phenylalanine.
Molecular consequence: missense variant. On other transcripts: 5 prime UTR variant (163), intron variant (34).
Genome position (GRCh38, 1-based): chr17:43,106,528, C>A on the plus strand (G>T on the coding strand, the complement: BRCA1 is on the minus strand). VCF-style: chr17-43106528-C-A. GRCh37 (hg19) VCF-style: chr17-41258545-C-A.
Other names: c.-49G>T (NM_001407571.1, NM_001407853.1, NM_001407879.1 and 58 more transcripts); c.140G>T, p.Cys47Phe (NM_001407581.1, NM_001407582.1, NM_001407583.1 and 168 more transcripts); c.-2G>T (NM_001407692.1, NM_001407694.1, NM_001407695.1 and 99 more transcripts); c.-218-11668G>T (NM_001407967.1, NM_001407966.1); c.-169-1572G>T (NM_001407959.1, NM_001407962.1, NM_001408512.1 and 4 more transcripts); c.81-1572G>T (NM_001408451.1); c.135-1572G>T (NM_001408475.1, NM_001407875.1, NM_001407659.1 and 21 more transcripts); short protein forms C47F.
Identifiers: ClinVar variation 54247 (VCV000054247.33), dbSNP rs80357150, ClinGen allele CA000952.
Genomic context (GRCh38, chr17:43,106,528, plus strand): 5'-TCATTCTTACATAAAGGACACTGTGAAGGCCCTTTCTTCTGGTTGAGAAGTTTCAGCATG[C>A]AAAATCTATAAATTATAAAGAAAGAAAGAACAATTTAATTTACTTCCTTTTGTAGAAAGA-3'
Protein context (NP_009225.1, residues 37-57): TKCDHIFCKF[Cys47Phe]MLKLLNQKKG

ClinVar aggregate classification (germline): Pathogenic/Likely pathogenic. Review status: criteria provided, multiple submitters, no conflicts (2 of 4 stars). 13 submissions from 13 submitters: Pathogenic (6); Likely pathogenic (4). 3 of the submissions do not count toward it. Last evaluated 2025-03-04.

Conditions:
Hereditary cancer-predisposing syndrome. Also called: Tumor predisposition; Neoplastic Syndromes, Hereditary; Hereditary Cancer Syndrome; Hereditary neoplastic syndrome. Identifiers: Orphanet 140162, MedGen C0027672, MeSH D009386, MONDO:0015356.
Hereditary breast ovarian cancer syndrome. Also called: Hereditary breast and ovarian cancer syndrome (HBOC); Hereditary breast and ovarian cancer syndrome; Hereditary breast and ovarian cancer; Hereditary breast and/or ovarian cancer syndrome; Breast and ovarian cancer; BRCA1- and BRCA2-Associated Hereditary Breast and Ovarian Cancer. Identifiers: Orphanet 145, MedGen C0677776, MeSH D061325, MONDO:0003582. Disease mechanism: loss of function.
Breast-ovarian cancer, familial, susceptibility to, 1 (BROVCA1). Also called: OVARIAN CANCER, SUSCEPTIBILITY TO; BRCA1 Hereditary Breast and Ovarian Cancer. Identifiers: Orphanet 145, MedGen C2676676, MONDO:0011450, OMIM 604370. Disease mechanism: loss of function.
Familial cancer of breast. Also called: Hereditary breast cancer; hereditary breast carcinoma; BREAST CANCER, FAMILIAL. Identifiers: Orphanet 227535, MedGen C0346153, MONDO:0016419, OMIM 114480. Disease mechanism: loss of function.

Submissions 1 to 7 of 14:

Center for Genomic Medicine, Rigshospitalet, Copenhagen University Hospital
Classification: Likely pathogenic. Last evaluated: 2025-03-04. Review status: criteria provided, single submitter. Criteria: ACMG Guidelines, 2015. Collection method: clinical testing. Allele origin: germline.

Labcorp Genetics (formerly Invitae), Labcorp
Classification: Pathogenic for Hereditary breast ovarian cancer syndrome. Last evaluated: 2025-01-08. Review status: criteria provided, single submitter. Criteria: Invitae Variant Classification Sherloc (09022015). Collection method: clinical testing. Allele origin: germline.
Comment: This sequence change replaces cysteine, which is neutral and slightly polar, with phenylalanine, which is neutral and non-polar, at codon 47 of the BRCA1 protein (p.Cys47Phe). This variant is not present in population databases (gnomAD no frequency). This missense change has been observed in individual(s) with breast and/or ovarian cancer (PMID: 12698193, 15887246, 27495310, 29339979, 29446198, 32341426; internal data). It has also been observed to segregate with disease in related individuals. ClinVar contains an entry for this variant (Variation ID: 54247). Invitae Evidence Modeling incorporating data from in vitro experimental studies (PMID: 30209399) indicates that this missense variant is expected to disrupt BRCA1 function with a positive predictive value of 95%. Experimental studies have shown that this missense change affects BRCA1 function (PMID: 21922593, 25823446, 30209399). This variant disrupts the p.Cys47 amino acid residue in BRCA1. Other variant(s) that disrupt this residue have been determined to be pathogenic (PMID: 12360411, 22762150, 22843421, 25823446, 30209399, 31131967). This suggests that this residue is clinically significant, and that variants that disrupt this residue are likely to be disease-causing. For these reasons, this variant has been classified as Pathogenic.

Quest Diagnostics Nichols Institute San Juan Capistrano
Classification: Pathogenic. Last evaluated: 2024-08-20. Review status: criteria provided, single submitter. Criteria: Quest Diagnostics criteria. Collection method: clinical testing. Allele origin: unknown.
Comment: The BRCA1 c.140G>T (p.Cys47Phe) variant has been reported in the published literature in individuals with a personal and/or family history of breast and/or ovarian cancer (PMID: 38709234 (2024), 35300142 (2022), 34072659 (2021), 32341426 (2020), 29339979 (2018), 27495310 (2016), 15887246 (2005), 12698193 (2003)), including one individual who carried a second pathogenic BRCA1 variant (PMID: 28944232 (2017)). Functional studies demonstrated that this variant was damaging to protein function (PMID: 30209399 (2018), 25823446 (2015)). This variant has not been reported in large, multi-ethnic general populations (Genome Aggregation Database). Analysis of this variant using bioinformatics tools for the prediction of the effect of amino acid changes on protein structure and function yielded conflicting predictions that this variant is deleterious or benign. Based on the available information, this variant is classified as pathogenic.

Baylor Genetics
Classification: Pathogenic for Breast-ovarian cancer, familial, susceptibility to, 1. Last evaluated: 2023-11-27. Review status: criteria provided, single submitter. Criteria: ACMG Guidelines, 2015. Collection method: clinical testing. Allele origin: unknown.

Women's Health and Genetics/Laboratory Corporation of America, LabCorp
Classification: Pathogenic for Hereditary breast ovarian cancer syndrome. Last evaluated: 2023-06-22. Review status: criteria provided, single submitter. Criteria: LabCorp Variant Classification Summary - May 2015. Collection method: clinical testing. Allele origin: germline.
Comment: Variant summary: BRCA1 c.140G>T (p.Cys47Phe) results in a non-conservative amino acid change located in the RING-type Zinc finger domain (IPR001841) of the encoded protein sequence. Five of five in-silico tools predict a damaging effect of the variant on protein function. The variant was absent in 249856 control chromosomes in gnomAD. c.140G>T has been reported in multiple individuals/families affected with Hereditary Breast And Ovarian Cancer Syndrome (example: Scottish-Northern Irish Consortium_2003, Buleje_2017, Zhu_ 2022, Solano_ 2021, Rebbeck_2018). At least one publication reports experimental evidence evaluating an impact on protein function. The most pronounced variant effect results in 10%-<30% of normal activity based on E3 ubiquitin ligase activity and binding to the BARD1 RING domain (Starita_2015). Additionally, at least one variant at the Arg148 residue has been reported as associated with disease (p.Arg148His, common DV), suggesting that this codon is functionally important. These data indicate that the variant is very likely to be associated with disease. The following publications have been ascertained in the context of this evaluation (PMID:15887246, 28944232, 32341426, 22505045, 27495310, 21922593, 12698193, 34072659, 25823446, 27272900, 29446198, 34403063). Eight submitters have cited clinical-significance assessments for this variant to ClinVar after 2014, including 2 Pathogenic and 6 likely pathogenic classifications. Based on the evidence outlined above, the variant was classified as pathogenic.

Color Diagnostics, LLC DBA Color Health
Classification: Likely pathogenic for Hereditary cancer-predisposing syndrome. Last evaluated: 2022-11-07. Review status: criteria provided, single submitter. Criteria: ACMG Guidelines, 2015. Collection method: clinical testing. Allele origin: germline.
Comment: This missense variant replaces cysteine with phenylalanine at codon 47 in the RING and BARD1 binding domain of the BRCA1 protein. Computational prediction suggests that this variant may have deleterious impact on protein structure and function (internally defined REVEL score threshold >= 0.7, PMID: 27666373). This variant has been reported to be loss-of-function in a haploid cell proliferation assay (PMID: 30209399) and partially abolished BRCA1 activity in the small colony phenotype (SCP) assay in yeast (PMID: 21922593). This variant has been reported in individuals affected with breast and/or ovarian cancer (PMID: 12698193, 15887246, 27495310, 28944232, 34072659), and has been identified in 6 families among the CIMBA participants (PMID: 29446198). A different variant affecting the same codon, c.140G>A (p.Cys47Tyr), is considered to be disease-causing (ClinVar variation ID: 54246), suggesting that this position is functionally and clinically important. This variant has not been identified in the general population by the Genome Aggregation Database (gnomAD). Based on the available evidence, this variant is classified as Likely Pathogenic.

Ambry Genetics
Classification: Pathogenic for Hereditary cancer-predisposing syndrome. Last evaluated: 2022-01-26. Review status: criteria provided, single submitter. Criteria: Ambry Variant Classification Scheme 2023. Collection method: clinical testing. Allele origin: germline.
Comment: The p.C47F variant (also known as c.140G>T), located in coding exon 3 of the BRCA1 gene, results from a G to T substitution at nucleotide position 140. The cysteine at codon 47 is replaced by phenylalanine, an amino acid with highly dissimilar properties. This alteration has been identified in multiple breast and/or ovarian cancer families (Scottish/N.Irish consortium. Br. J. Cancer, 2003 Apr;88:1256-62; Bonadona V et al. Genes Chromosomes Cancer, 2005 Aug;43:404-13; Jarhelle E et al. Fam. Cancer, 2017 Jan;16:1-16; Rebbeck TR et al. Hum Mutat, 2018 05;39:593-620; De Talhouet S et al. Sci Rep, 2020 04;10:7073). This variant affects an amino acid that is responsible for coordinating the binding of a zinc molecule within the BRCA1 RING finger motif and most substitutions here, including to phenylalanine, are structurally and functionally deleterious (Brzovic PS et al Nat Struct Biol. 2001; 8(10): 833-7; Millot GA et al. Hum. Mutat., 2011 Dec;32:1470-80; Thouvenot P et al. PLoS Genet., 2016 06;12:e1006096; Starita LM et al. Genetics, 2015 Jun;200:413-22; Findlay GM et al. Nature, 2018 Sep;). This amino acid position is highly conserved in available vertebrate species. In addition, this alteration is predicted to be deleterious by in silico analysis. This variant is considered to be rare based on population cohorts in the Genome Aggregation Database (gnomAD). Based on the supporting evidence, this alteration is interpreted as a disease-causing mutation.